The following is an entry in ClinVar:

NM_017780.4(CHD7):c.6193C>G (p.Arg2065Gly)

Gene: CHD7 (chromodomain helicase DNA binding protein 7; plus strand). Cytogenetic location: 8q12.2.
Variant type: single nucleotide variant.
Coding change: c.6193C>G on transcript NM_017780.4 (MANE Select); coding-DNA position 6193, C replaced by G.
Protein change: p.Arg2065Gly; replaces arginine 2065 with glycine.
Molecular consequence: missense variant. On other transcripts: intron variant (1).
Genome position (GRCh38, 1-based): chr8:60,852,918, C>G. VCF-style: chr8-60852918-C-G. GRCh37 (hg19) VCF-style: chr8-61765477-C-G.
Other names: c.6193C>G (LRG_176t1); c.1717-9311C>G (NM_001316690.1); short protein forms R2065G.
Identifiers: ClinVar variation 420036 (VCV000420036.11), dbSNP rs1064794250, ClinGen allele CA16618675.

ClinVar aggregate classification (germline): Conflicting classifications of pathogenicity. Review status: criteria provided, conflicting classifications (1 of 4 stars). 2 submissions from 2 submitters: Likely pathogenic (1); Uncertain significance (1). Last evaluated 2019-12-27.

Conditions:
CHARGE syndrome (CHARGE). Also called: Hittner Hirsch Kreh syndrome; CHARGE ASSOCIATION--COLOBOMA, HEART ANOMALY, CHOANAL ATRESIA, RETARDATION, GENITAL AND EAR ANOMALIES; Coloboma, heart anomaly, choanal atresia, retardation, genital and ear anomalies; CHARGE association; Hall-Hittner syndrome. Identifiers: Orphanet 138, MedGen C0265354, MONDO:0008965.

Submissions (2):

Labcorp Genetics (formerly Invitae), Labcorp
Classification: Likely pathogenic for CHARGE syndrome. Last evaluated: 2019-12-27. Review status: criteria provided, single submitter. Criteria: Invitae Variant Classification Sherloc (09022015). Collection method: clinical testing. Allele origin: germline.
Comment: This sequence change replaces arginine with glycine at codon 2065 of the CHD7 protein (p.Arg2065Gly). The arginine residue is highly conserved and there is a moderate physicochemical difference between arginine and glycine. This variant is not present in population databases (ExAC no frequency). This variant has been observed in individual(s) with Kallmann syndrome (PMID: 23533228, 25472840). ClinVar contains an entry for this variant (Variation ID: 420036). This variant has been reported not to substantially affect CHD7 protein function (PMID: 25472840). This variant disrupts the p.Arg2065 amino acid residue in CHD7. Other variant(s) that disrupt this residue have been observed in individuals with CHD7-related conditions (PMID: 25064402, 25383892, 30733481), which suggests that this may be a clinically significant amino acid residue. In summary, the currently available evidence indicates that the variant is pathogenic, but additional data are needed to prove that conclusively. Therefore, this variant has been classified as Likely Pathogenic.

GeneDx
Classification: Uncertain significance. Last evaluated: 2016-07-27. Review status: criteria provided, single submitter. Criteria: GeneDx Variant Classification (06012015). Collection method: clinical testing. Allele origin: germline. Affected: yes.
Comment: The R2065G variant has been published previously in association with Kallmann syndrome (Costa-Barbosa et al., 2013). The variant was not observed in approximately 6,100 individuals of European and African American ancestry in the NHLBI Exome Sequencing Project, indicating it is not a common benign variant in these populations. R2065G is a non-conservative amino acid substitution, which is likely to impact secondary protein structure as these residues differ in polarity, charge, size and/or other properties. This substitution occurs at a position that is conserved across species, and in silico analysis predicts this variant is probably damaging to the protein structure/function. However, functional studies in zebrafish have indicated that R2065G is a benign change with no effect on protein function (Balasubramanian et al., 2014). Therefore, based on the currently available information, it is unclear whether this variant is a pathogenic variant or a rare benign variant.

Literature cited by the submitters: PubMed 23533228 (cited by Labcorp Genetics (formerly Invitae), Labcorp); PubMed 25472840 (cited by Labcorp Genetics (formerly Invitae), Labcorp); PubMed 25064402 (cited by Labcorp Genetics (formerly Invitae), Labcorp); PubMed 25383892 (cited by Labcorp Genetics (formerly Invitae), Labcorp); PubMed 30733481 (cited by Labcorp Genetics (formerly Invitae), Labcorp).